The following is an entry in ClinVar:

ClinVar aggregate classification (germline): Uncertain significance. Review status: criteria provided, multiple submitters, no conflicts (2 of 4 stars). 5 submissions from 5 submitters: Uncertain significance (4). 1 of the submissions does not count toward it. Last evaluated 2022-08-03.

Conditions:
Neuronal ceroid lipofuscinosis 7 (CLN7). Also called: MFSD8-Related Neuronal Ceroid-Lipofuscinosis. Identifiers: Orphanet 168491, Orphanet 228366, MedGen C1838571, MONDO:0012588, OMIM 610951.
Inborn genetic diseases. Identifiers: MedGen C0950123, MeSH D030342.
Macular dystrophy with central cone involvement (CCMD). Identifiers: MedGen C4015371, MONDO:0014515, OMIM 616170.
Late-infantile neuronal ceroid lipofuscinosis. Also called: Jansky-Bielschowsky disease. Identifiers: MedGen C0022340, MONDO:0015674.

Allele frequency attached by ClinVar (database versions not stated): gnomAD exomes 0.00001 and 0.00002; ExAC 0.00002.
gnomAD v4.1: 27 of 1,608,440 alleles (0.0017%); highest among the groups gnomAD compares: African/African-American, 0.004%; no homozygotes.

Submissions (5):

Labcorp Genetics (formerly Invitae), Labcorp
Classification: Uncertain significance for Neuronal ceroid lipofuscinosis 7. Last evaluated: 2022-08-03. Review status: criteria provided, single submitter. Criteria: Invitae Variant Classification Sherloc (09022015). Collection method: clinical testing. Allele origin: germline.
Comment: This sequence change replaces threonine, which is neutral and polar, with isoleucine, which is neutral and non-polar, at codon 288 of the MFSD8 protein (p.Thr288Ile). This variant is present in population databases (rs755384900, gnomAD 0.003%). This variant has not been reported in the literature in individuals affected with MFSD8-related conditions. ClinVar contains an entry for this variant (Variation ID: 206156). Algorithms developed to predict the effect of missense changes on protein structure and function are either unavailable or do not agree on the potential impact of this missense change (SIFT: "Deleterious"; PolyPhen-2: "Probably Damaging"; Align-GVGD: "Class C15"). Algorithms developed to predict the effect of sequence changes on RNA splicing suggest that this variant may disrupt the consensus splice site. In summary, the available evidence is currently insufficient to determine the role of this variant in disease. Therefore, it has been classified as a Variant of Uncertain Significance.

Ambry Genetics
Classification: Uncertain significance for Inborn genetic diseases. Last evaluated: 2022-02-15. Review status: criteria provided, single submitter. Criteria: Ambry Variant Classification Scheme 2023. Collection method: clinical testing. Allele origin: germline.
Comment: Occurs in the last base pair of the exon Based on insufficient or conflicting evidence, the clinical significance of this alteration remains unclear.

Fulgent Genetics
Classification: Uncertain significance for Neuronal ceroid lipofuscinosis 7; Macular dystrophy with central cone involvement. Last evaluated: 2018-10-31. Review status: criteria provided, single submitter. Criteria: ACMG Guidelines, 2015. Collection method: clinical testing. Allele origin: unknown.

GeneDx
Classification: Uncertain significance. Last evaluated: 2013-02-22. Review status: criteria provided, single submitter. Criteria: GeneDx Variant Classification (06012015). Collection method: clinical testing. Allele origin: germline. Affected: yes.
Comment: p.Thr288Ile (ACC>ATC): c.863 C>T in exon 9 of the MFSD8 gene (NM_152778.2)The Thr288Ile missense change has not been published as a mutation, nor has it been reported as a benign polymorphism to our knowledge. The NHLBI ESP Exome Variant Project has not identified Thr288Ile in approximately 6,500 individuals of European or African American ethnicity, indicating that it is not a common benign variant in these populations. The amino acid substitution is non-conservative, as a polar Threonine residue is replaced by a non-polar Isoleucine residue. Thr288Ile alters a conserved position in the extracellular loop between the seventh and eighth transmembrane domains of the protein and another missense mutation (Thr294Lys) in this region has been reported in association with late-infantile neuronal ceroid lipofuscinoses (vLINCL) (Kousi et al., 2009; Aiello et al., 2009). In addition, multiple in-silico algorithms predict Thr288Ile is damaging to the structure/function of the protein. Based on the currently available information, it is unclear whether Thr288Ile is a disease-causing mutation or a rare benign variant.The variant is found in CHILD-EPI panel(s).

Natera, Inc.
Classification: Uncertain significance for Late-infantile neuronal ceroid lipofuscinosis. Last evaluated: 2020-08-18. Review status: no assertion criteria provided. Collection method: clinical testing. Allele origin: germline. Not counted in ClinVar's aggregate classification.

NM_001371596.2(MFSD8):c.863C>T (p.Thr288Ile)

Gene: MFSD8 (major facilitator superfamily domain containing 8; minus strand). Cytogenetic location: 4q28.2.
Variant type: single nucleotide variant.
Coding change: c.863C>T on transcript NM_001371596.2 (MANE Select); coding-DNA position 863, C replaced by T.
Protein change: p.Thr288Ile; replaces threonine 288 with isoleucine.
Molecular consequence: missense variant.
Genome position (GRCh38, 1-based): chr4:127,932,985, G>A on the plus strand (C>T on the coding strand, the complement: MFSD8 is on the minus strand). VCF-style: chr4-127932985-G-A. GRCh37 (hg19) VCF-style: chr4-128854140-G-A.
Other names: p.T288I:ACC>ATC; c.662C>T, p.Thr221Ile (NM_001363520.3); c.548C>T, p.Thr183Ile (NM_001363521.3); c.728C>T, p.Thr243Ile (NM_001371590.2); c.863C>T, p.Thr288Ile (NM_001371591.2, NM_152778.4); c.869C>T, p.Thr290Ile (NM_001371592.2); c.749C>T, p.Thr250Ile (NM_001371593.2, NM_001410766.1); c.716C>T, p.Thr239Ile (NM_001371594.2); and 2 more; short protein forms T288I, T183I, T221I, T194I, T239I, T243I, T250I, T290I.
Identifiers: ClinVar variation 206156 (VCV000206156.9), dbSNP rs755384900, ClinGen allele CA315975.